The following is an entry in ClinVar:

NM_000059.4(BRCA2):c.7618-21G>T

Gene: BRCA2 (BRCA2 DNA repair associated; plus strand). Cytogenetic location: 13q13.1.
Variant type: single nucleotide variant.
Coding change: c.7618-21G>T on transcript NM_000059.4 (MANE Select); 21 bases into the intron before coding-DNA position 7618, G replaced by T.
Molecular consequence: intron variant.
Genome position (GRCh38, 1-based): chr13:32,357,721, G>T. VCF-style: chr13-32357721-G-T. GRCh37 (hg19) VCF-style: chr13-32931858-G-T.
Other names: IVS15-21G>T.
Identifiers: ClinVar variation 156174 (VCV000156174.26), dbSNP rs376957350, ClinGen allele CA025190.

ClinVar aggregate classification (germline): Benign/Likely benign. Review status: criteria provided, multiple submitters, no conflicts (2 of 4 stars). 5 submissions from 5 submitters: Benign (2); Likely benign (1). 2 of the submissions do not count toward it. Last evaluated 2025-03-04.

Conditions:
Hereditary breast ovarian cancer syndrome. Also called: Hereditary breast and ovarian cancer; Hereditary breast and ovarian cancer syndrome (HBOC); Hereditary breast and ovarian cancer syndrome; BRCA1- and BRCA2-Associated Hereditary Breast and Ovarian Cancer; Breast and ovarian cancer; Hereditary breast and/or ovarian cancer syndrome. Identifiers: Orphanet 145, MedGen C0677776, MeSH D061325, MONDO:0003582. Disease mechanism: loss of function.
Breast-ovarian cancer, familial, susceptibility to, 2 (BROVCA2). Also called: BRCA2 Hereditary Breast and Ovarian Cancer. Identifiers: Orphanet 145, MedGen C2675520, MONDO:0012933, OMIM 612555. Disease mechanism: loss of function.

Allele frequency attached by ClinVar (database versions not stated): gnomAD below 0.00001 and 0.00010; TOPMed 0.00003; gnomAD exomes 0.00033; ExAC 0.00045; 1000 Genomes Project 30x 0.00047; 1000 Genomes Project 0.00060.
gnomAD v4.1: 255 of 1,600,760 alleles (0.016%); highest among the groups gnomAD compares: South Asian, 0.27%; 3 homozygotes.

Submissions (5):

Center for Genomic Medicine, Rigshospitalet, Copenhagen University Hospital
Classification: Likely benign. Last evaluated: 2025-03-04. Review status: criteria provided, single submitter. Criteria: ACMG Guidelines, 2015. Collection method: clinical testing. Allele origin: germline.

National Health Laboratory Service, Universitas Academic Hospital and University of the Free State
Classification: Benign for Hereditary breast ovarian cancer syndrome. Last evaluated: 2021-11-16. Review status: criteria provided, single submitter. Criteria: ACMG Guidelines, 2015. Collection method: clinical testing. Allele origin: germline. Affected: yes. Observed: 1 variant allele.

Mendelics
Classification: Benign for Breast-ovarian cancer, familial, susceptibility to, 2. Last evaluated: 2019-05-28. Review status: criteria provided, single submitter. Criteria: Mendelics Assertion Criteria 2017. Collection method: clinical testing. Allele origin: unknown.

Sharing Clinical Reports Project (SCRP)
Classification: Benign for Breast-ovarian cancer, familial 2. Last evaluated: 2011-02-14. Review status: no assertion criteria provided. Collection method: clinical testing. Allele origin: germline. Not counted in ClinVar's aggregate classification.

Department of Pathology and Laboratory Medicine, Sinai Health System
Classification: Uncertain significance. Review status: no assertion criteria provided. Collection method: clinical testing. Allele origin: unknown. Affected: yes. Observed: 1 variant allele. Study: The Canadian Open Genetics Repository (COGR). Not counted in ClinVar's aggregate classification.
Comment: The c.7618-21G>T variant has not been previously identified in the literature but has been identified in two individuals by our laboratory. This variant occurs outside the 3' consensus splice region. It does not affect the invariant -1 and -2 positions nor positions -3 and -5 to -12 which are part of the splicing consensus sequence and variants involving these positions sometimes affect splicing. In addition, the ethnic background of this individual was not provided and we may have sequenced a limited number of individuals from this population such that the full spectrum of benign variation may not yet have been defined for this gene in this population, increasing the possibility that this may be a benign variant. In summary, the clinical significance of this variant cannot be determined with absolute certainty, but we would lean towards a more likely benign role for this variant. This information should be taken in the context of clinical manifestation and family history. Testing of additional affected family members may help determine if this variant is of clinical significance.

Literature cited by the submitters: DOI 10.3389/fgene.2022.834265 (cited by National Health Laboratory Service, Universitas Academic Hospital and University of the Free State).